The following is an entry in ClinVar:

NM_006231.4(POLE):c.196A>T (p.Met66Leu)

Gene: POLE (DNA polymerase epsilon, catalytic subunit; minus strand). Cytogenetic location: 12q24.33.
Variant type: single nucleotide variant.
Coding change: c.196A>T on transcript NM_006231.4 (MANE Select); coding-DNA position 196, A replaced by T.
Protein change: p.Met66Leu; replaces methionine 66 with leucine.
Molecular consequence: missense variant.
Genome position (GRCh38, 1-based): chr12:132,681,146, T>A on the plus strand (A>T on the coding strand, the complement: POLE is on the minus strand). VCF-style: chr12-132681146-T-A. GRCh37 (hg19) VCF-style: chr12-133257732-T-A.
Other names: c.196A>T (NM_006231.2); short protein forms M66L.
Identifiers: ClinVar variation 3004791 (VCV003004791.4), dbSNP rs534552358, ClinGen allele CA387369629.

ClinVar aggregate classification (germline): Uncertain significance. Review status: criteria provided, multiple submitters, no conflicts (2 of 4 stars). 2 submissions from 2 submitters: Uncertain significance (2). Last evaluated 2026-01-03.

Conditions:
Hereditary cancer-predisposing syndrome. Also called: Neoplastic Syndromes, Hereditary; Tumor predisposition; Hereditary Cancer Syndrome; Hereditary neoplastic syndrome. Identifiers: Orphanet 140162, MedGen C0027672, MeSH D009386, MONDO:0015356.

Submissions (2):

Ambry Genetics
Classification: Uncertain significance for Hereditary cancer-predisposing syndrome. Last evaluated: 2026-01-03. Review status: criteria provided, single submitter. Criteria: Ambry Variant Classification Scheme 2023. Collection method: clinical testing. Allele origin: germline.
Comment: The p.M66L variant (also known as c.196A>T), located in coding exon 2 of the POLE gene, results from an A to T substitution at nucleotide position 196. The methionine at codon 66 is replaced by leucine, an amino acid with highly similar properties. This amino acid position is conserved. In addition, this alteration is predicted to be tolerated by in silico analysis. Based on the available evidence, the clinical significance of this variant remains unclear.

Labcorp Genetics (formerly Invitae), Labcorp
Classification: Uncertain significance. Last evaluated: 2023-08-24. Review status: criteria provided, single submitter. Criteria: Invitae Variant Classification Sherloc (09022015). Collection method: clinical testing. Allele origin: germline.
Comment: In summary, the available evidence is currently insufficient to determine the role of this variant in disease. Therefore, it has been classified as a Variant of Uncertain Significance. Advanced modeling of protein sequence and biophysical properties (such as structural, functional, and spatial information, amino acid conservation, physicochemical variation, residue mobility, and thermodynamic stability) performed at Invitae indicates that this missense variant is not expected to disrupt POLE protein function. This variant has not been reported in the literature in individuals affected with POLE-related conditions. This variant is not present in population databases (gnomAD no frequency). This sequence change replaces methionine, which is neutral and non-polar, with leucine, which is neutral and non-polar, at codon 66 of the POLE protein (p.Met66Leu).